The following is an entry in ClinVar:

NM_000179.3(MSH6):c.429T>C (p.Val143=)

Gene: MSH6 (mutS homolog 6; plus strand). Cytogenetic location: 2p16.3.
Variant type: single nucleotide variant.
Coding change: c.429T>C on transcript NM_000179.3 (MANE Select); coding-DNA position 429, T replaced by C.
Protein change: p.Val143=; no amino-acid change (valine 143 retained).
Molecular consequence: synonymous variant. On other transcripts: 5 prime UTR variant (7), non-coding transcript variant (5), intron variant (6).
Genome position (GRCh38, 1-based): chr2:47,791,095, T>C. VCF-style: chr2-47791095-T-C. GRCh37 (hg19) VCF-style: chr2-48018234-T-C.
Other names: c.-308T>C (NM_001281493.2, NM_001406811.1, NM_001406823.1 and 1 more transcripts); c.-474T>C (NM_001281494.2); c.525T>C, p.Val175= (NM_001406795.1, NM_001406802.1); c.429T>C, p.Val143= (NM_001406796.1, NM_001406798.1, NM_001406800.1 and 6 more transcripts); c.132T>C, p.Val44= (NM_001406797.1, NM_001406801.1, NM_001406805.1 and 10 more transcripts); c.351T>C, p.Val117= (NM_001406804.1); c.-500T>C (NM_001406807.1); c.-566T>C (NM_001406814.1); and 5 more.
Identifiers: ClinVar variation 3903527 (VCV003903527.1).

ClinVar aggregate classification (germline): Benign (1 of 4 stars; one submission).

Conditions:
Lynch syndrome 5 (LYNCH5). Also called: Colorectal cancer, hereditary nonpolyposis, type 5; Hereditary non-polyposis colorectal cancer, type 5. Identifiers: Orphanet 144, MedGen C1833477, MONDO:0013710, OMIM 614350. Disease mechanism: loss of function.

Submission:

Myriad Genetics, Inc.
Classification: Benign for Lynch syndrome 5. Last evaluated: 2024-12-18. Review status: criteria provided, single submitter. Criteria: Myriad Autosomal Dominant, Autosomal Recessive and X-Linked Classification Criteria (2023). Collection method: clinical testing. Allele origin: unknown.
Comment: This variant is considered benign. This variant is a silent/synonymous amino acid change and it is not expected to impact splicing.